The following is an entry in ClinVar:

NM_001079668.3(NKX2-1):c.626G>C (p.Arg209Pro)

Genes: SFTA3 (surfactant associated 3; minus strand), NKX2-1 (NK2 homeobox 1; minus strand). Cytogenetic location: 14q13.3.
Variant type: single nucleotide variant.
Coding change: c.626G>C on transcript NM_001079668.3 (MANE Select); coding-DNA position 626, G replaced by C.
Protein change: p.Arg209Pro; replaces arginine 209 with proline.
Molecular consequence: missense variant.
Genome position (GRCh38, 1-based): chr14:36,517,858, C>G on the plus strand (G>C on the coding strand, the complement: NKX2-1 is on the minus strand). VCF-style: chr14-36517858-C-G. GRCh37 (hg19) VCF-style: chr14-36987063-C-G.
Other names: c.626G>C (NM_001079668.2); c.536G>C, p.Arg179Pro (NM_003317.4); short protein forms R179P, R209P.
Identifiers: ClinVar variation 1801521 (VCV001801521.6), dbSNP rs760880632, ClinGen allele CA389459404.

ClinVar aggregate classification (germline): Pathogenic/Likely pathogenic. Review status: criteria provided, multiple submitters, no conflicts (2 of 4 stars). 3 submissions from 3 submitters: Pathogenic (1); Likely pathogenic (2). Last evaluated 2022-12-05.

Conditions:
Hereditary ataxia. Also called: Hereditary Ataxias. Identifiers: Orphanet 183518, MedGen C0004138, MONDO:0100309, MONDO:0000557.
Chorea. Also called: Choreiform movements; Choreatic disease. Identifiers: Orphanet 1429, MedGen C0008489, MONDO:0001595, HP:0002072.
Brain-lung-thyroid syndrome. Also called: Choreoathetosis, Congenital Hypothyroidism, and Neonatal Respiratory Distress Syndrome (Brain-Lung-Thyroid Syndrome); Choreoathetosis, congenital hypothyroidism, and neonatal respiratory distress; CHOREOATHETOSIS AND CONGENITAL HYPOTHYROIDISM WITH PULMONARY DYSFUNCTION. Identifiers: Orphanet 209905, MedGen C1970269, MONDO:0012593, OMIM 610978.

Submissions (3):

Institute of Medical Genetics and Applied Genomics, University Hospital Tübingen
Classification: Pathogenic for Chorea; Hereditary ataxia. Last evaluated: 2022-12-05. Review status: criteria provided, single submitter. Criteria: ACMG Guidelines, 2015. Collection method: clinical testing. Allele origin: germline. Inheritance: Autosomal dominant inheritance. Affected: yes.

Illumina Laboratory Services, Illumina
Classification: Likely pathogenic for Brain-lung-thyroid syndrome. Last evaluated: 2022-05-24. Review status: criteria provided, single submitter. Criteria: ICSLVariantClassificationCriteria RUGD 01 April 2020. Collection method: clinical testing. Allele origin: unknown.
Comment: The NKX2-1 c.626G>C (p.Arg209Pro) missense variant results in the substitution of arginine at amino acid position 209 with proline. This variant has been reported in a total of two unrelated families with choreoathetosis, hypothyroidism, and neonatal respiratory distress (also referred to brain-thyroid-lung syndrome) in a heterozygous state (Williamson et al. 2014; Guaquelin et al. 2017). This variant is not found in version 2.1.1 or version 3.1.2 of the Genome Aggregation Database. Multiple lines of computational evidence suggest the variant may have a deleterious effect on the gene or gene product. Based on the available evidence, the c.626G>C (p.Arg209Pro) variant is classified as likely pathogenic for choreoathetosis, hypothyroidism, and neonatal respiratory distress.

Molecular Diagnostics Lab, Nemours Children's Health, Delaware
Classification: Likely pathogenic for Brain-lung-thyroid syndrome. Last evaluated: 2020-02-28. Review status: criteria provided, single submitter. Criteria: ACMG Guidelines, 2015. Collection method: clinical testing. Allele origin: unknown. Inheritance: Autosomal dominant inheritance. Affected: yes. Observed: 1 heterozygote. Segregation with disease observed.

Literature cited by the submitters: PubMed 24453141 (cited by Illumina Laboratory Services, Illumina and Molecular Diagnostics Lab, Nemours Children's Health, Delaware); PubMed 29109906 (cited by Illumina Laboratory Services, Illumina).